The following is an entry in ClinVar:

ClinVar aggregate classification (germline): Uncertain significance. Review status: criteria provided, multiple submitters, no conflicts (2 of 4 stars). 3 submissions from 3 submitters: Uncertain significance (3). Last evaluated 2025-02-17.

Conditions:
Hereditary cancer-predisposing syndrome. Also called: Neoplastic Syndromes, Hereditary; Hereditary Cancer Syndrome; Hereditary neoplastic syndrome; Tumor predisposition. Identifiers: Orphanet 140162, MedGen C0027672, MeSH D009386, MONDO:0015356.
DICER1-related tumor predisposition. Also called: DICER1-related pleuropulmonary blastoma cancer predisposition syndrome; DICER1 syndrome. Identifiers: Orphanet 284343, MedGen C3839822, MONDO:0100216.

Allele frequency attached by ClinVar (database versions not stated): gnomAD exomes below 0.00001; gnomAD 0.00002.
gnomAD v4.1: 9 of 1,612,646 alleles (0.00056%); highest among the groups gnomAD compares: Middle Eastern, 0.016%; no homozygotes.

Submissions (3):

Revvity Omics, Revvity
Classification: Uncertain significance. Last evaluated: 2025-02-17. Review status: criteria provided, single submitter. Criteria: ACMG Guidelines, 2015. Collection method: clinical testing. Allele origin: germline.

Labcorp Genetics (formerly Invitae), Labcorp
Classification: Uncertain significance for DICER1-related tumor predisposition. Last evaluated: 2024-11-19. Review status: criteria provided, single submitter. Criteria: Invitae Variant Classification Sherloc (09022015). Collection method: clinical testing. Allele origin: germline.
Comment: This sequence change replaces glutamic acid, which is acidic and polar, with lysine, which is basic and polar, at codon 1418 of the DICER1 protein (p.Glu1418Lys). This variant is present in population databases (no rsID available, gnomAD 0.003%). This variant has not been reported in the literature in individuals affected with DICER1-related conditions. ClinVar contains an entry for this variant (Variation ID: 824726). Invitae Evidence Modeling of protein sequence and biophysical properties (such as structural, functional, and spatial information, amino acid conservation, physicochemical variation, residue mobility, and thermodynamic stability) indicates that this missense variant is not expected to disrupt DICER1 protein function with a negative predictive value of 95%. In summary, the available evidence is currently insufficient to determine the role of this variant in disease. Therefore, it has been classified as a Variant of Uncertain Significance.

Ambry Genetics
Classification: Uncertain significance for Hereditary cancer-predisposing syndrome. Last evaluated: 2023-09-19. Review status: criteria provided, single submitter. Criteria: Ambry Variant Classification Scheme 2023. Collection method: clinical testing. Allele origin: germline.
Comment: The p.E1418K variant (also known as c.4252G>A), located in coding exon 22 of the DICER1 gene, results from a G to A substitution at nucleotide position 4252. The glutamic acid at codon 1418 is replaced by lysine, an amino acid with similar properties. This amino acid position is not well conserved in available vertebrate species. In addition, this alteration is predicted to be tolerated by in silico analysis. Since supporting evidence is limited at this time, the clinical significance of this alteration remains unclear.

NM_177438.3(DICER1):c.4252G>A (p.Glu1418Lys)

Gene: DICER1 (dicer 1, ribonuclease III; minus strand). Cytogenetic location: 14q32.13.
Variant type: single nucleotide variant.
Coding change: c.4252G>A on transcript NM_177438.3 (MANE Select); coding-DNA position 4252, G replaced by A.
Protein change: p.Glu1418Lys; replaces glutamic acid 1418 with lysine.
Molecular consequence: missense variant.
Genome position (GRCh38, 1-based): chr14:95,096,668, C>T on the plus strand (G>A on the coding strand, the complement: DICER1 is on the minus strand). VCF-style: chr14-95096668-C-T. GRCh37 (hg19) VCF-style: chr14-95563005-C-T.
Other names: c.4252G>A, p.Glu1418Lys (NM_001195573.1, NM_001271282.3, NM_001291628.2 and 1 more transcripts); short protein forms E1418K.
Identifiers: ClinVar variation 824726 (VCV000824726.13), dbSNP rs1421729263, ClinGen allele CA390869698.
Genomic context (GRCh38, chr14:95,096,668, plus strand): 5'-AGTCAGCCTCTTCCTTCGGAGCCCTCCACATCAGGCTCTCCTCCTCCTCATCCTCCTCCT[C>T]GTAATCCTCATCCAGTTTGCCATTCGCCAGCATGCAGTCTTTTGTCTGAAACGAGGGGGA-3'
Protein context (NP_803187.1, residues 1408-1428): LANGKLDEDY[Glu1418Lys]EEDEEEESLM